The following is an entry in ClinVar:

NM_032901.4(COX14):c.142G>A (p.Ala48Thr)

Gene: COX14 (cytochrome c oxidase assembly factor COX14; plus strand). Cytogenetic location: 12q13.12.
Variant type: single nucleotide variant.
Coding change: c.142G>A on transcript NM_032901.4 (MANE Select); coding-DNA position 142, G replaced by A.
Protein change: p.Ala48Thr; replaces alanine 48 with threonine.
Molecular consequence: missense variant.
Genome position (GRCh38, 1-based): chr12:50,120,185, G>A. VCF-style: chr12-50120185-G-A. GRCh37 (hg19) VCF-style: chr12-50513968-G-A.
Other names: c.142G>A, p.Ala48Thr (NM_001257133.2, NM_001257134.2); short protein forms A48T.
Identifiers: ClinVar variation 4701896 (VCV004701896.1).

ClinVar aggregate classification (germline): Uncertain significance (1 of 4 stars; one submission).

gnomAD v4.1: 18 of 1,613,978 alleles (0.0011%); highest among the groups gnomAD compares: South Asian, 0.0066%; no homozygotes.

Submission:

Labcorp Genetics (formerly Invitae), Labcorp
Classification: Uncertain significance. Last evaluated: 2025-04-02. Review status: criteria provided, single submitter. Criteria: Invitae Variant Classification Sherloc (09022015). Collection method: clinical testing. Allele origin: germline.
Comment: This sequence change replaces alanine, which is neutral and non-polar, with threonine, which is neutral and polar, at codon 48 of the COX14 protein (p.Ala48Thr). This variant is present in population databases (rs749003299, gnomAD 0.003%). This variant has not been reported in the literature in individuals affected with COX14-related conditions. An algorithm developed to predict the effect of missense changes on protein structure and function (PolyPhen-2) suggests that this variant is likely to be disruptive. In summary, the available evidence is currently insufficient to determine the role of this variant in disease. Therefore, it has been classified as a Variant of Uncertain Significance.